The following is an entry in ClinVar:

ClinVar aggregate classification (germline): Uncertain significance. Review status: criteria provided, multiple submitters, no conflicts (2 of 4 stars). 2 submissions from 2 submitters: Uncertain significance (2). Last evaluated 2025-05-23.

gnomAD v4.1: 64 of 1,614,118 alleles (0.004%); highest among the groups gnomAD compares: South Asian, 0.023%; no homozygotes.

Submissions (2):

Ambry Genetics
Classification: Uncertain significance. Last evaluated: 2025-05-23. Review status: criteria provided, single submitter. Criteria: Ambry Variant Classification Scheme 2023. Collection method: clinical testing. Allele origin: germline.

Labcorp Genetics (formerly Invitae), Labcorp
Classification: Uncertain significance. Last evaluated: 2024-10-02. Review status: criteria provided, single submitter. Criteria: Invitae Variant Classification Sherloc (09022015). Collection method: clinical testing. Allele origin: germline.
Comment: This sequence change replaces threonine, which is neutral and polar, with methionine, which is neutral and non-polar, at codon 622 of the FBLN1 protein (p.Thr622Met). This variant is present in population databases (rs145765329, gnomAD 0.02%). This variant has not been reported in the literature in individuals affected with FBLN1-related conditions. An algorithm developed to predict the effect of missense changes on protein structure and function outputs the following: PolyPhen-2: "Probably Damaging". The methionine amino acid residue is found in multiple mammalian species, which suggests that this missense change does not adversely affect protein function. In summary, the available evidence is currently insufficient to determine the role of this variant in disease. Therefore, it has been classified as a Variant of Uncertain Significance.

NM_006486.3(FBLN1):c.1865C>T (p.Thr622Met)

Gene: FBLN1 (fibulin 1; plus strand). Cytogenetic location: 22q13.31.
Variant type: single nucleotide variant.
Coding change: c.1865C>T on transcript NM_006486.3 (MANE Select); coding-DNA position 1865, C replaced by T.
Protein change: p.Thr622Met; replaces threonine 622 with methionine.
Molecular consequence: missense variant.
Genome position (GRCh38, 1-based): chr22:45,577,001, C>T. VCF-style: chr22-45577001-C-T. GRCh37 (hg19) VCF-style: chr22-45972881-C-T.
Other names: c.1865C>T (NM_006486.2); short protein forms T622M.
Identifiers: ClinVar variation 3605851 (VCV003605851.3).